The following is an entry in ClinVar:

NM_000081.4(LYST):c.3413T>C (p.Ile1138Thr)

Gene: LYST (lysosomal trafficking regulator; minus strand). Cytogenetic location: 1q42.3.
Variant type: single nucleotide variant.
Coding change: c.3413T>C on transcript NM_000081.4 (MANE Select); coding-DNA position 3413, T replaced by C.
Protein change: p.Ile1138Thr; replaces isoleucine 1138 with threonine.
Molecular consequence: missense variant.
Genome position (GRCh38, 1-based): chr1:235,804,646, A>G on the plus strand (T>C on the coding strand, the complement: LYST is on the minus strand). VCF-style: chr1-235804646-A-G. GRCh37 (hg19) VCF-style: chr1-235967946-A-G.
Other names: c.3413T>C, p.Ile1138Thr (NM_001301365.1); short protein forms I1138T.
Identifiers: ClinVar variation 1487472 (VCV001487472.8), dbSNP rs1672615076, ClinGen allele CA344949314.
Genomic context (GRCh38, chr1:235,804,646, plus strand): 5'-TTTGCTAGTTGTGTTTCAATCACCTTTGACTGGGAAAGATGGTCCCTCATTTCAAATAAT[A>G]TACTTTCCACAGACAAGTTCTAAGGTAAAATAAAAGAGACTAAGAATATTAATAACCATT-3'
Protein context (NP_000072.2, residues 1128-1148): LPNQNLSVES[Ile1138Thr]LFEMRDHLSQ

ClinVar aggregate classification (germline): Uncertain significance (1 of 4 stars; one submission).

Conditions:
Chédiak-Higashi syndrome (CHS). Also called: Chediak-Higashi Syndrome. Identifiers: Orphanet 167, MedGen C0007965, MONDO:0008963, OMIM 214500.

Allele frequency attached by ClinVar (database versions not stated): gnomAD exomes below 0.00001; gnomAD 0.00001.
gnomAD v4.1: 2 of 1,606,196 alleles (0.00012%); highest among the groups gnomAD compares: Non-Finnish European, 0.00017%; no homozygotes.

Submission:

Labcorp Genetics (formerly Invitae), Labcorp
Classification: Uncertain significance for Chédiak-Higashi syndrome. Last evaluated: 2022-06-27. Review status: criteria provided, single submitter. Criteria: Invitae Variant Classification Sherloc (09022015). Collection method: clinical testing. Allele origin: germline.
Comment: Algorithms developed to predict the effect of missense changes on protein structure and function (SIFT, PolyPhen-2, Align-GVGD) all suggest that this variant is likely to be tolerated. This variant has not been reported in the literature in individuals affected with LYST-related conditions. This variant is not present in population databases (gnomAD no frequency). This sequence change replaces isoleucine, which is neutral and non-polar, with threonine, which is neutral and polar, at codon 1138 of the LYST protein (p.Ile1138Thr). In summary, the available evidence is currently insufficient to determine the role of this variant in disease. Therefore, it has been classified as a Variant of Uncertain Significance.